The following is an entry in ClinVar:

ClinVar aggregate classification (germline): Conflicting classifications of pathogenicity. Review status: criteria provided, conflicting classifications (1 of 4 stars). 2 submissions from 2 submitters: Likely pathogenic (1); Uncertain significance (1). Last evaluated 2025-02-07.

Conditions:
Shwachman-Diamond syndrome 1 (SDS1). Also called: LIPOMATOSIS OF PANCREAS, CONGENITAL. Identifiers: MedGen C4692625, MONDO:0044204, OMIM 260400.

Allele frequency attached by ClinVar (database versions not stated): gnomAD 0.00001; ExAC 0.00002; gnomAD exomes below 0.00001; TOPMed 0.00001.
gnomAD v4.1: 2 of 1,613,466 alleles (0.00012%); highest among the groups gnomAD compares: Non-Finnish European, 0.00017%; no homozygotes.

Submissions (3):

Broad Center for Mendelian Genomics, Broad Institute of MIT and Harvard
Classification: Likely pathogenic for Shwachman-Diamond syndrome 1. Last evaluated: 2025-02-07. Review status: criteria provided, single submitter. Criteria: ACMG Guidelines, 2015. Collection method: curation. Allele origin: germline. Inheritance: Autosomal recessive inheritance.
Comment: The c.129-3A>G variant in SBDS has been reported, in the compound heterozygous state, in 1 individual with Shwachman-Diamond syndrome (PMID: 25732529), and has been identified in 0.0002% (2/1179620) of European (non-Finnish) chromosomes by the Genome Aggregation Database (gnomAD; dbSNP rs760364037). Although this variant has been seen in the general population in a heterozygous state, its frequency is not high enough to rule out a pathogenic role. The presence of a known pseudogene, SBDSP1, can impact the reliability of allele frequencies. Computational prediction tools, including splice predictors, and conservation analyses suggest that this variant may impact the protein, though this information is not predictive enough to determine pathogenicity. Additional pathogenic variants within the same splice region have been reported in association with disease in the literature, supporting that a change in this position may not be tolerated (ClinGen Allele Registry ID: CA4279234, PMID: 22491737, 26997321). In summary, although additional studies are required to fully establish its clinical significance, this variant is likely pathogenic for autosomal recessive Shwachman-Diamond syndrome. ACMG/AMP Criteria applied: PM3, PS1_moderate, PP3, PM2_supporting (Richards 2015).

GeneDx
Classification: Uncertain significance. Last evaluated: 2023-05-25. Review status: criteria provided, single submitter. Criteria: GeneDx Variant Classification Process June 2021. Collection method: clinical testing. Allele origin: germline. Affected: yes.
Comment: Not observed at significant frequency in large population cohorts (gnomAD); In silico analysis supports a deleterious effect on splicing; Identified in a patient with Shwachman-Diamond Syndrome who was apparently homozygous for the c.258+2 T>C variant and heterozygous for the c.129-3 A>G variant in the SBDS gene in published literature (Ryan et al., 2015); This variant is associated with the following publications: (PMID: 25732529)

Dr. Peter K. Rogan Lab, Western University
No classification provided (evidence only). Condition: Melanoma. Review status: no classification provided. Collection method: in vitro. Allele origin: not applicable. Functional consequence: skipped exon, retained intron. Not counted in ClinVar's aggregate classification.

NM_016038.4(SBDS):c.129-3A>G

Gene: SBDS (SBDS ribosome maturation factor; minus strand). Cytogenetic location: 7q11.21.
Variant type: single nucleotide variant.
Coding change: c.129-3A>G on transcript NM_016038.4 (MANE Select); 3 bases into the intron before coding-DNA position 129, A replaced by G.
Molecular consequence: intron variant.
Genome position (GRCh38, 1-based): chr7:66,994,344, T>C on the plus strand (A>G on the coding strand, the complement: SBDS is on the minus strand). VCF-style: chr7-66994344-T-C. GRCh37 (hg19) VCF-style: chr7-66459331-T-C.
Other names: NM_016038.4:c.129-3A>G; NC_000007.13:g.66459331T>C.
Identifiers: ClinVar variation 2503284 (VCV002503284.3), dbSNP rs760364037, ClinGen allele CA4279235.